The following is an entry in ClinVar:

ClinVar aggregate classification (germline): Uncertain significance (1 of 4 stars; one submission).

Conditions:
TRIOBP-related disorder. Also called: TRIOBP-related condition.

gnomAD v4.1: 13 of 1,613,972 alleles (0.00081%); highest among the groups gnomAD compares: Admixed American, 0.022%; no homozygotes.

Submission:

PreventionGenetics, part of Exact Sciences
Classification: Uncertain significance for TRIOBP-related condition. Last evaluated: 2025-09-09. Review status: criteria provided, single submitter. Criteria: ACMG Guidelines, 2015. Collection method: clinical testing. Allele origin: germline.
Comment: The TRIOBP c.2378C>T variant is predicted to result in the amino acid substitution p.Thr793Ile. To our knowledge, this variant has not been reported in the literature. This variant is reported in 0.029% of alleles in individuals of Latino descent in gnomAD. At this time, the clinical significance of this variant is uncertain due to the absence of conclusive functional and genetic evidence.

NM_001039141.3(TRIOBP):c.2378C>T (p.Thr793Ile)

Gene: TRIOBP (TRIO and F-actin binding protein; plus strand). Cytogenetic location: 22q13.1.
Variant type: single nucleotide variant.
Coding change: c.2378C>T on transcript NM_001039141.3 (MANE Select); coding-DNA position 2378, C replaced by T.
Protein change: p.Thr793Ile; replaces threonine 793 with isoleucine.
Molecular consequence: missense variant.
Genome position (GRCh38, 1-based): chr22:37,724,934, C>T. VCF-style: chr22-37724934-C-T. GRCh37 (hg19) VCF-style: chr22-38120941-C-T.
Other names: short protein forms T793I.
Identifiers: ClinVar variation 4986179 (VCV004986179.1).
Genomic context (GRCh38, chr22:37,724,934, plus strand): 5'-CCCGACAGGACAATCCCAGGACCTCCTCTCCCAATAGAGCCACACGAGACAACCCCAGAA[C>T]ATCCTGTGCCCAGCGGGACAATCTCAGAGCCTCCTCTCCCATCAGAGCCACCCAACAGGA-3'
Protein context (NP_001034230.1, residues 783-803): PNRATRDNPR[Thr793Ile]SCAQRDNLRA